The following is an entry in ClinVar:

ClinVar aggregate classification (germline): Likely benign (1 of 4 stars; one submission).

Allele frequency attached by ClinVar (database versions not stated): TOPMed below 0.00001; ExAC 0.00001.
gnomAD v4.1: 19 of 1,611,852 alleles (0.0012%); highest among the groups gnomAD compares: Non-Finnish European, 0.0014%; no homozygotes.

Submission:

CeGaT Center for Human Genetics Tuebingen
Classification: Likely benign. Last evaluated: 2023-12-01. Review status: criteria provided, single submitter. Criteria: CeGaT Center For Human Genetics Tuebingen Variant Classification Criteria Version 2. Collection method: clinical testing. Allele origin: germline. Affected: yes. Observed: 1 variant allele.
Comment: CDKN1A: BP4, BP7

NM_000389.5(CDKN1A):c.81C>T (p.Ser27=)

Gene: CDKN1A (cyclin dependent kinase inhibitor 1A; plus strand). Cytogenetic location: 6p21.2.
Variant type: single nucleotide variant.
Coding change: c.81C>T on transcript NM_000389.5 (MANE Select); coding-DNA position 81, C replaced by T.
Protein change: p.Ser27=; no amino-acid change (serine 27 retained).
Molecular consequence: synonymous variant.
Genome position (GRCh38, 1-based): chr6:36,684,182, C>T. VCF-style: chr6-36684182-C-T. GRCh37 (hg19) VCF-style: chr6-36651959-C-T.
Other names: c.81C>T, p.Ser27= (NM_001220777.2, NM_001220778.2, NM_001374511.1 and 3 more transcripts); c.183C>T, p.Ser61= (NM_001291549.3, NM_001374509.1); c.120C>T, p.Ser40= (NM_001374510.1).
Identifiers: ClinVar variation 3026303 (VCV003026303.22), dbSNP rs762818650, ClinGen allele CA3780323.